The following is an entry in ClinVar:

ClinVar aggregate classification (germline): Uncertain significance. Review status: criteria provided, multiple submitters, no conflicts (2 of 4 stars). 2 submissions from 2 submitters: Uncertain significance (2). Last evaluated 2025-08-31.

Conditions:
Cardiovascular phenotype. Identifiers: MedGen CN230736.

Allele frequency attached by ClinVar (database versions not stated): gnomAD exomes below 0.00001; TOPMed below 0.00001; gnomAD 0.00001.
gnomAD v4.1: 3 of 1,614,016 alleles (0.00019%); highest among the groups gnomAD compares: Admixed American, 0.0017%; no homozygotes.

Submissions (2):

Ambry Genetics
Classification: Uncertain significance for Cardiovascular phenotype. Last evaluated: 2025-08-31. Review status: criteria provided, single submitter. Criteria: Ambry Variant Classification Scheme 2023. Collection method: clinical testing. Allele origin: germline.
Comment: The p.Y162C variant (also known as c.485A>G), located in coding exon 4 of the FKTN gene, results from an A to G substitution at nucleotide position 485. The tyrosine at codon 162 is replaced by cysteine, an amino acid with highly dissimilar properties. This amino acid position is conserved. In addition, the in silico prediction for this alteration is inconclusive. Based on the available evidence, the clinical significance of this variant remains unclear.

Eurofins Ntd Llc (ga)
Classification: Uncertain significance. Last evaluated: 2016-07-25. Review status: criteria provided, single submitter. Criteria: EGL Classification Definitions 2015. Collection method: clinical testing. Allele origin: germline. Observed: 2 variant alleles, 2 heterozygotes.

NM_001079802.2(FKTN):c.485A>G (p.Tyr162Cys)

Gene: FKTN (fukutin; plus strand). Cytogenetic location: 9q31.2.
Variant type: single nucleotide variant.
Coding change: c.485A>G on transcript NM_001079802.2 (MANE Select); coding-DNA position 485, A replaced by G.
Protein change: p.Tyr162Cys; replaces tyrosine 162 with cysteine.
Molecular consequence: missense variant. On other transcripts: non-coding transcript variant (2).
Genome position (GRCh38, 1-based): chr9:105,604,330, A>G. VCF-style: chr9-105604330-A-G. GRCh37 (hg19) VCF-style: chr9-108366611-A-G.
Other names: c.485A>G (NM_001079802.1); c.485A>G, p.Tyr162Cys (NM_001198963.2, NM_001351496.2, NM_001351498.2 and 1 more transcripts); c.416A>G, p.Tyr139Cys (NM_001351497.2); c.89A>G, p.Tyr30Cys (NM_001351499.2, NM_001351500.2, NM_001351501.2 and 1 more transcripts); short protein forms Y162C, Y139C, Y30C.
Identifiers: ClinVar variation 289570 (VCV000289570.6), dbSNP rs886044210, ClinGen allele CA10606484.